The following is an entry in ClinVar:

ClinVar aggregate classification (germline): Uncertain significance (1 of 4 stars; one submission).

Submission:

Labcorp Genetics (formerly Invitae), Labcorp
Classification: Uncertain significance. Last evaluated: 2025-03-13. Review status: criteria provided, single submitter. Criteria: Invitae Variant Classification Sherloc (09022015). Collection method: clinical testing. Allele origin: germline.
Comment: This sequence change replaces histidine, which is basic and polar, with glutamine, which is neutral and polar, at codon 913 of the DSG1 protein (p.His913Gln). This variant is not present in population databases (gnomAD no frequency). This variant has not been reported in the literature in individuals affected with DSG1-related conditions. An algorithm developed to predict the effect of missense changes on protein structure and function (PolyPhen-2) suggests that this variant is likely to be tolerated. In summary, the available evidence is currently insufficient to determine the role of this variant in disease. Therefore, it has been classified as a Variant of Uncertain Significance.

NM_001942.4(DSG1):c.2739T>A (p.His913Gln)

Genes: DSG1-AS1 (DSG1 antisense RNA 1; minus strand), DSG1 (desmoglein 1; plus strand). Cytogenetic location: 18q12.1.
Variant type: single nucleotide variant.
Coding change: c.2739T>A on transcript NM_001942.4 (MANE Select); coding-DNA position 2739, T replaced by A.
Protein change: p.His913Gln; replaces histidine 913 with glutamine.
Molecular consequence: missense variant.
Genome position (GRCh38, 1-based): chr18:31,354,935, T>A. VCF-style: chr18-31354935-T-A. GRCh37 (hg19) VCF-style: chr18-28934898-T-A.
Other names: short protein forms H913Q.
Identifiers: ClinVar variation 4715040 (VCV004715040.1).